The following is an entry in ClinVar:

NM_004715.5(CTDP1):c.2412C>G (p.Ser804=)

Gene: CTDP1 (CTD phosphatase subunit 1; plus strand). Cytogenetic location: 18q23.
Variant type: single nucleotide variant.
Coding change: c.2412C>G on transcript NM_004715.5 (MANE Select); coding-DNA position 2412, C replaced by G.
Protein change: p.Ser804=; no amino-acid change (serine 804 retained).
Molecular consequence: synonymous variant.
Genome position (GRCh38, 1-based): chr18:79,718,011, C>G. VCF-style: chr18-79718011-C-G. GRCh37 (hg19) VCF-style: chr18-77478011-C-G.
Other names: c.2055C>G, p.Ser685= (NM_001202504.1); c.2412C>G, p.Ser804= (NM_001318511.2, NM_048368.4).
Identifiers: ClinVar variation 668525 (VCV000668525.1), dbSNP rs35456241, ClinGen allele CA504867369.

ClinVar aggregate classification (germline): Likely benign (1 of 4 stars; one submission).

Submission:

GeneDx
Classification: Likely benign. Last evaluated: 2018-06-01. Review status: criteria provided, single submitter. Criteria: GeneDx Variant Classification (06012015). Collection method: clinical testing. Allele origin: germline. Affected: yes.
Comment: This variant is considered likely benign or benign based on one or more of the following criteria: it is a conservative change, it occurs at a poorly conserved position in the protein, it is predicted to be benign by multiple in silico algorithms, and/or has population frequency not consistent with disease.